The following is an entry in ClinVar:

NM_003640.5(ELP1):c.2414T>C (p.Val805Ala)

Gene: ELP1 (elongator acetyltransferase complex subunit 1; minus strand). Cytogenetic location: 9q31.3.
Variant type: single nucleotide variant.
Coding change: c.2414T>C on transcript NM_003640.5 (MANE Select); coding-DNA position 2414, T replaced by C.
Protein change: p.Val805Ala; replaces valine 805 with alanine.
Molecular consequence: missense variant.
Genome position (GRCh38, 1-based): chr9:108,897,235, A>G on the plus strand (T>C on the coding strand, the complement: ELP1 is on the minus strand). VCF-style: chr9-108897235-A-G. GRCh37 (hg19) VCF-style: chr9-111659515-A-G.
Other names: c.2072T>C, p.Val691Ala (NM_001318360.2); c.1367T>C, p.Val456Ala (NM_001330749.2); short protein forms V805A, V456A, V691A.
Identifiers: ClinVar variation 1441654 (VCV001441654.5), dbSNP rs1564084435, ClinGen allele CA374421396.
Genomic context (GRCh38, chr9:108,897,235, plus strand): 5'-GCTCTCATAGCATCGCAGACAAGGTCTATTTTATTCCCGTCAGGATCCCTGGACAGGTAG[A>G]CACTGCTGGTAACTGGTGCAGGGTACATGGTCTTCGTGACATCTTCTTCTCTAAGAACAG-3'
Protein context (NP_003631.2, residues 795-815): TMYPAPVTSS[Val805Ala]YLSRDPDGNK

ClinVar aggregate classification (germline): Uncertain significance (1 of 4 stars; one submission).

Allele frequency attached by ClinVar (database versions not stated): gnomAD exomes below 0.00001.

Submission:

Labcorp Genetics (formerly Invitae), Labcorp
Classification: Uncertain significance. Last evaluated: 2021-09-17. Review status: criteria provided, single submitter. Criteria: Invitae Variant Classification Sherloc (09022015). Collection method: clinical testing. Allele origin: germline.
Comment: This sequence change replaces valine with alanine at codon 805 of the ELP1 protein (p.Val805Ala). The valine residue is moderately conserved and there is a small physicochemical difference between valine and alanine. This variant is not present in population databases (ExAC no frequency). This variant has not been reported in the literature in individuals with ELP1-related conditions. Algorithms developed to predict the effect of missense changes on protein structure and function output the following: SIFT: "Tolerated"; PolyPhen-2: "Benign"; Align-GVGD: "Class C0". The alanine amino acid residue is found in multiple mammalian species, suggesting that this missense change does not adversely affect protein function. These predictions have not been confirmed by published functional studies and their clinical significance is uncertain. In summary, the available evidence is currently insufficient to determine the role of this variant in disease. Therefore, it has been classified as a Variant of Uncertain Significance.